The following is an entry in ClinVar:

ClinVar aggregate classification (germline): Uncertain significance (1 of 4 stars; one submission).

Conditions:
Neutral lipid storage myopathy (NLSDM). Also called: NEUTRAL LIPID STORAGE DISEASE WITHOUT ICHTHYOSIS. Identifiers: Orphanet 98908, MedGen C1853136, MONDO:0012545, OMIM 610717.

gnomAD v4.1: 4 of 1,553,836 alleles (0.00026%); highest among the groups gnomAD compares: East Asian, 0.0073%; no homozygotes.

Submission:

Labcorp Genetics (formerly Invitae), Labcorp
Classification: Uncertain significance for Neutral lipid storage myopathy. Last evaluated: 2022-03-15. Review status: criteria provided, single submitter. Criteria: Invitae Variant Classification Sherloc (09022015). Collection method: clinical testing. Allele origin: germline.
Comment: In summary, the available evidence is currently insufficient to determine the role of this variant in disease. Therefore, it has been classified as a Variant of Uncertain Significance. Algorithms developed to predict the effect of missense changes on protein structure and function (SIFT, PolyPhen-2, Align-GVGD) all suggest that this variant is likely to be tolerated. This variant has not been reported in the literature in individuals affected with PNPLA2-related conditions. This variant is not present in population databases (gnomAD no frequency). This sequence change replaces valine, which is neutral and non-polar, with leucine, which is neutral and non-polar, at codon 378 of the PNPLA2 protein (p.Val378Leu).

NM_020376.4(PNPLA2):c.1132G>C (p.Val378Leu)

Gene: PNPLA2 (patatin like domain 2, triacylglycerol lipase; plus strand). Cytogenetic location: 11p15.5.
Variant type: single nucleotide variant.
Coding change: c.1132G>C on transcript NM_020376.4 (MANE Select); coding-DNA position 1132, G replaced by C.
Protein change: p.Val378Leu; replaces valine 378 with leucine.
Molecular consequence: missense variant.
Genome position (GRCh38, 1-based): chr11:824,393, G>C. VCF-style: chr11-824393-G-C. GRCh37 (hg19) VCF-style: chr11-824393-G-C.
Other names: short protein forms V378L.
Identifiers: ClinVar variation 1960228 (VCV001960228.5), dbSNP rs1845796805, ClinGen allele CA378984034.